The following is an entry in ClinVar:

NM_007294.4(BRCA1):c.605A>C (p.Gln202Pro)

Gene: BRCA1 (BRCA1 DNA repair associated; minus strand). Cytogenetic location: 17q21.31.
Variant type: single nucleotide variant.
Coding change: c.605A>C on transcript NM_007294.4 (MANE Select); coding-DNA position 605, A replaced by C.
Protein change: p.Gln202Pro; replaces glutamine 202 with proline.
Molecular consequence: missense variant. On other transcripts: non-coding transcript variant (1).
Genome position (GRCh38, 1-based): chr17:43,095,911, T>G on the plus strand (A>C on the coding strand, the complement: BRCA1 is on the minus strand). VCF-style: chr17-43095911-T-G. GRCh37 (hg19) VCF-style: chr17-41247928-T-G.
Other names: c.602A>C, p.Gln201Pro (NM_001407587.1, NM_001407590.1, NM_001407591.1 and 41 more transcripts); c.395A>C, p.Gln132Pro (NM_001407900.1, NM_001407902.1, NM_001407906.1 and 27 more transcripts); c.605A>C, p.Gln202Pro (NM_001407593.1, NM_001407581.1, NM_001407582.1 and 59 more transcripts); c.392A>C, p.Gln131Pro (NM_001407571.1, NM_001407853.1, NM_001407894.1 and 12 more transcripts); c.596A>C, p.Gln199Pro (NM_001407646.1, NM_001407647.1, NM_001408408.1); c.527A>C, p.Gln176Pro (NM_001407653.1, NM_001407654.1, NM_001407655.1 and 9 more transcripts); c.524A>C, p.Gln175Pro (NM_001407659.1, NM_001407660.1, NM_001407661.1 and 3 more transcripts); c.464A>C, p.Gln155Pro (NM_001407692.1, NM_001407694.1, NM_001407695.1 and 43 more transcripts); and 4 more; short protein forms Q202P, Q155P, Q154P, Q157P, Q199P, Q132P, Q201P, Q75P.
Identifiers: ClinVar variation 409373 (VCV000409373.13), dbSNP rs1060502366, ClinGen allele CA10600897.

ClinVar aggregate classification (germline): Uncertain significance (1 of 4 stars; one submission).

Conditions:
Hereditary breast ovarian cancer syndrome. Also called: Hereditary breast and ovarian cancer; Hereditary breast and/or ovarian cancer syndrome; BRCA1- and BRCA2-Associated Hereditary Breast and Ovarian Cancer; Hereditary breast and ovarian cancer syndrome; Hereditary breast and ovarian cancer syndrome (HBOC); Breast and ovarian cancer. Identifiers: Orphanet 145, MedGen C0677776, MeSH D061325, MONDO:0003582. Disease mechanism: loss of function.

Submission:

Labcorp Genetics (formerly Invitae), Labcorp
Classification: Uncertain significance for Hereditary breast ovarian cancer syndrome. Last evaluated: 2016-08-15. Review status: criteria provided, single submitter. Criteria: Invitae Variant Classification Sherloc (09022015). Collection method: clinical testing. Allele origin: germline.
Comment: This sequence change replaces glutamine with proline at codon 202 of the BRCA1 protein (p.Gln202Pro). The glutamine residue is moderately conserved and there is a moderate physicochemical difference between glutamine and proline. In summary, this variant is a novel missense change that is not predicted to affect protein function. There is no indication that it causes disease, but the available evidence is currently insufficient to prove that conclusively. Therefore, it has been classified as a Variant of Uncertain Significance. Algorithms developed to predict the effect of missense changes on protein structure and function (SIFT, PolyPhen-2, Align-GVGD) all suggest that this variant is likely to be tolerated, but these predictions have not been confirmed by published functional studies. This variant is not present in population databases (ExAC no frequency) and has not been reported in the literature in individuals with a BRCA1-related disease.